The following is an entry in ClinVar:

NM_001035.3(RYR2):c.577C>T (p.His193Tyr)

Gene: RYR2 (ryanodine receptor 2; plus strand). Cytogenetic location: 1q43.
Variant type: single nucleotide variant.
Coding change: c.577C>T on transcript NM_001035.3 (MANE Select); coding-DNA position 577, C replaced by T.
Protein change: p.His193Tyr; replaces histidine 193 with tyrosine.
Molecular consequence: missense variant.
Genome position (GRCh38, 1-based): chr1:237,387,281, C>T. VCF-style: chr1-237387281-C-T. GRCh37 (hg19) VCF-style: chr1-237550581-C-T.
Other names: short protein forms H193Y.
Identifiers: ClinVar variation 1749599 (VCV001749599.4), dbSNP rs2530194266, ClinGen allele CA345377161.
Genomic context (GRCh38, chr1:237,387,281, plus strand): 5'-ACTTACATGTTACAGCTTACCAGAGCCTGAAGTGATGCCTCCTTTTGCCTCTTGATACAG[C>T]ACTTGTCTTATGGCAACGGCAGCTTACACGTGGATGCCGCTTTCCAGCAGACTCTCTGGA-3'
Protein context (NP_001026.2, residues 183-203): LVSVSSERYL[His193Tyr]LSYGNGSLHV

ClinVar aggregate classification (germline): Uncertain significance. Review status: criteria provided, multiple submitters, no conflicts (2 of 4 stars). 2 submissions from 2 submitters: Uncertain significance (2). Last evaluated 2026-02-05.

Conditions:
Cardiovascular phenotype. Identifiers: MedGen CN230736.

Allele frequency attached by ClinVar (database versions not stated): gnomAD exomes below 0.00001.

Submissions (2):

GeneDx
Classification: Uncertain significance. Last evaluated: 2026-02-05. Review status: criteria provided, single submitter. Criteria: GeneDx Variant Classification Process June 2021. Collection method: clinical testing. Allele origin: germline.
Comment: Not observed at significant frequency in large population cohorts (gnomAD); In silico analysis supports that this missense variant has a deleterious effect on protein structure/function; Has not been previously published as pathogenic or benign to our knowledge; Located in one of the three hot-spot regions of the RYR2 gene, where the majority of pathogenic missense variants occur (PMID: 19926015); This variant is associated with the following publications: (PMID: 19926015)

Ambry Genetics
Classification: Uncertain significance for Cardiovascular phenotype. Last evaluated: 2019-03-01. Review status: criteria provided, single submitter. Criteria: Ambry Variant Classification Scheme 2023. Collection method: clinical testing. Allele origin: germline.
Comment: The p.H193Y variant (also known as c.577C>T) is located in coding exon 9 of the RYR2 gene. The histidine at codon 193 is replaced by tyrosine, an amino acid with similar properties. This change occurs in the first base pair of coding exon 9. This amino acid position is highly conserved in available vertebrate species. In addition, this alteration is predicted to be deleterious by in silico analysis. Since supporting evidence is limited at this time, the clinical significance of this alteration remains unclear.